The following is an entry in ClinVar:

ClinVar aggregate classification (germline): Likely benign (0 of 4 stars; one submission).

Conditions:
AGMO-related disorder. Also called: AGMO-related condition.

Allele frequency attached by ClinVar (database versions not stated): ExAC 0.00020; gnomAD 0.00031; TOPMed 0.00034; ESP Exome Variant Server 0.00062.
gnomAD v4.1: 718 of 1,495,560 alleles (0.048%); highest among the groups gnomAD compares: Non-Finnish European, 0.062%; 1 homozygote.

Submission:

PreventionGenetics, part of Exact Sciences
Classification: Likely benign for AGMO-related condition. Last evaluated: 2019-05-30. Review status: no assertion criteria provided. Collection method: clinical testing. Allele origin: germline.
Comment: This variant is classified as likely benign based on ACMG/AMP sequence variant interpretation guidelines (Richards et al. 2015 PMID: 25741868, with internal and published modifications).

NM_001004320.2(AGMO):c.1074+10A>G

Gene: AGMO (alkylglycerol monooxygenase; minus strand). Cytogenetic location: 7p21.2.
Variant type: single nucleotide variant.
Coding change: c.1074+10A>G on transcript NM_001004320.2 (MANE Select); 10 bases into the intron after coding-DNA position 1074, A replaced by G.
Molecular consequence: intron variant.
Genome position (GRCh38, 1-based): chr7:15,385,436, T>C on the plus strand (A>G on the coding strand, the complement: AGMO is on the minus strand). VCF-style: chr7-15385436-T-C. GRCh37 (hg19) VCF-style: chr7-15425061-T-C.
Identifiers: ClinVar variation 3039486 (VCV003039486.2), dbSNP rs199707904, ClinGen allele CA4168417.